The following is an entry in ClinVar:

NM_001039570.3(KREMEN1):c.559G>A (p.Glu187Lys)

Gene: KREMEN1 (kringle containing transmembrane protein 1; plus strand). Cytogenetic location: 22q12.1.
Variant type: single nucleotide variant.
Coding change: c.559G>A on transcript NM_001039570.3 (MANE Select); coding-DNA position 559, G replaced by A.
Protein change: p.Glu187Lys; replaces glutamic acid 187 with lysine.
Molecular consequence: missense variant.
Genome position (GRCh38, 1-based): chr22:29,125,344, G>A. VCF-style: chr22-29125344-G-A. GRCh37 (hg19) VCF-style: chr22-29521332-G-A.
Other names: c.559G>A, p.Glu187Lys (NM_032045.5); short protein forms E187K.
Identifiers: ClinVar variation 4751305 (VCV004751305.1).

ClinVar aggregate classification (germline): Uncertain significance (1 of 4 stars; one submission).

gnomAD v4.1: 134 of 1,614,066 alleles (0.0083%); highest among the groups gnomAD compares: Non-Finnish European, 0.01%; no homozygotes.

Submission:

Labcorp Genetics (formerly Invitae), Labcorp
Classification: Uncertain significance. Last evaluated: 2025-05-27. Review status: criteria provided, single submitter. Criteria: Invitae Variant Classification Sherloc (09022015). Collection method: clinical testing. Allele origin: germline.
Comment: This sequence change replaces glutamic acid, which is acidic and polar, with lysine, which is basic and polar, at codon 187 of the KREMEN1 protein (p.Glu187Lys). This variant is present in population databases (rs745457999, gnomAD 0.02%). This variant has not been reported in the literature in individuals affected with KREMEN1-related conditions. Invitae Evidence Modeling of protein sequence and biophysical properties (such as structural, functional, and spatial information, amino acid conservation, physicochemical variation, residue mobility, and thermodynamic stability) has been performed for this missense variant. However, the output from this modeling did not meet the statistical confidence thresholds required to predict the impact of this variant on KREMEN1 protein function. In summary, the available evidence is currently insufficient to determine the role of this variant in disease. Therefore, it has been classified as a Variant of Uncertain Significance.